The following is an entry in ClinVar:

NC_000023.10:g.(?_99661873)_(99700255_?)del

Gene: PCDH19 (protocadherin 19; minus strand). Cytogenetic location: Xq22.1.
Variant type: Deletion.
Identifiers: ClinVar variation 3244937 (VCV003244937.1).

ClinVar aggregate classification (germline): Pathogenic (1 of 4 stars; one submission).

Conditions:
Developmental and epileptic encephalopathy, 9 (DEE9). Also called: Early infantile epileptic encephalopathy 9; JUBERG-HELLMAN SYNDROME; EPILEPSY, FEMALE-RESTRICTED, WITH MENTAL RETARDATION; PCDH19-Related X-Linked Female-Limited Epilepsy with Mental Retardation. Identifiers: Orphanet 101039, Orphanet 2076, MedGen C1848137, MONDO:0010246, OMIM 300088. Disease mechanism: loss of function.

Submission:

Labcorp Genetics (formerly Invitae), Labcorp
Classification: Pathogenic for Developmental and epileptic encephalopathy, 9. Last evaluated: 2023-05-01. Review status: criteria provided, single submitter. Criteria: Invitae Variant Classification Sherloc (09022015). Collection method: clinical testing. Allele origin: unknown.
Comment: This variant disrupts a region of the PCDH19 protein in which other variant(s) (p.Pro567Leu) have been determined to be pathogenic (PMID: 21053371, 30530412). This suggests that this is a clinically significant region of the protein, and that variants that disrupt it are likely to be disease-causing. For these reasons, this variant has been classified as Pathogenic. This variant has not been reported in the literature in individuals affected with PCDH19-related conditions. This variant results in the deletion of part of exon 1 (c.-36660_1723del) of the PCDH19 gene.

Literature cited by the submitters: PubMed 21053371; PubMed 30530412.